The following is an entry in ClinVar:

NM_017752.3(TBC1D8B):c.2773C>T (p.Leu925Phe)

Gene: TBC1D8B (TBC1 domain family member 8B; plus strand). Cytogenetic location: Xq22.3.
Variant type: single nucleotide variant.
Coding change: c.2773C>T on transcript NM_017752.3 (MANE Select); coding-DNA position 2773, C replaced by T.
Protein change: p.Leu925Phe; replaces leucine 925 with phenylalanine.
Molecular consequence: missense variant.
Genome position (GRCh38, 1-based): chrX:106,868,437, C>T. VCF-style: chrX-106868437-C-T. GRCh37 (hg19) VCF-style: chrX-106111667-C-T.
Other names: c.2773C>T (NM_017752.2); short protein forms L925F.
Identifiers: ClinVar variation 1925141 (VCV001925141.7), dbSNP rs1932827549, ClinGen allele CA413822691.
Genomic context (GRCh38, chrX:106,868,437, plus strand): 5'-ATTTATATGTTTTCAGCTTACACTGAAGTGAAATCTAAGGATGCTTCAAAAGGAGATGAA[C>T]TTTCCAAGGAAGAATTACTTTATTTCAGTCAGCTGCATGGTAAATACCTGTTTAAAATGT-3'
Protein context (NP_060222.2, residues 915-935): KSKDASKGDE[Leu925Phe]SKEELLYFSQ

ClinVar aggregate classification (germline): Uncertain significance. Review status: criteria provided, multiple submitters, no conflicts (2 of 4 stars). 2 submissions from 2 submitters: Uncertain significance (2). Last evaluated 2023-04-20.

Allele frequency attached by ClinVar (database versions not stated): gnomAD exomes below 0.00001; gnomAD 0.00001.
gnomAD v4.1: 3 of 1,001,977 alleles (0.0003%); highest among the groups gnomAD compares: Non-Finnish European, 0.00026%; no homozygotes.

Submissions (2):

Ambry Genetics
Classification: Uncertain significance. Last evaluated: 2023-04-20. Review status: criteria provided, single submitter. Criteria: Ambry Variant Classification Scheme 2023. Collection method: clinical testing. Allele origin: germline.

Labcorp Genetics (formerly Invitae), Labcorp
Classification: Uncertain significance. Last evaluated: 2022-06-09. Review status: criteria provided, single submitter. Criteria: Invitae Variant Classification Sherloc (09022015). Collection method: clinical testing. Allele origin: germline.
Comment: In summary, the available evidence is currently insufficient to determine the role of this variant in disease. Therefore, it has been classified as a Variant of Uncertain Significance. Algorithms developed to predict the effect of missense changes on protein structure and function (SIFT, PolyPhen-2, Align-GVGD) all suggest that this variant is likely to be tolerated. This variant has not been reported in the literature in individuals affected with TBC1D8B-related conditions. This variant is not present in population databases (gnomAD no frequency). This sequence change replaces leucine, which is neutral and non-polar, with phenylalanine, which is neutral and non-polar, at codon 925 of the TBC1D8B protein (p.Leu925Phe).